The following is an entry in ClinVar:

NM_006118.4(HAX1):c.58dup (p.Arg20fs)

Gene: HAX1 (HCLS1 associated protein X-1; plus strand). Cytogenetic location: 1q21.3.
Variant type: Duplication.
Coding change: c.58dup on transcript NM_006118.4 (MANE Select); coding-DNA position 58, one base duplicated (A; older notation c.58dupA).
Protein change: p.Arg20fs; shifts the reading frame from arginine 20.
Molecular consequence: frameshift variant. On other transcripts: intron variant (1).
Genome position (GRCh38, 1-based): chr1:154,273,340, A duplicated. VCF-style (leftmost placement, unchanged base first): chr1-154273339-C-CA. GRCh37 (hg19) VCF-style: chr1-154245815-C-CA.
Other names: c.54-140dup (NM_001018837.2); short protein forms R20fs.
Identifiers: ClinVar variation 1453573 (VCV001453573.6), dbSNP rs2149139493, ClinGen allele CA2573131214.

ClinVar aggregate classification (germline): Pathogenic (1 of 4 stars; one submission).

Conditions:
Kostmann syndrome (SCN3). Also called: Autosomal recessive severe congenital neutropenia type 3; KOSTMANN DISEASE. Identifiers: Orphanet 99749, MedGen C5235141, MONDO:0012548, OMIM 610738.

Submission:

Labcorp Genetics (formerly Invitae), Labcorp
Classification: Pathogenic for Kostmann syndrome. Last evaluated: 2021-05-04. Review status: criteria provided, single submitter. Criteria: Invitae Variant Classification Sherloc (09022015). Collection method: clinical testing. Allele origin: germline.
Comment: For these reasons, this variant has been classified as Pathogenic. This variant has not been reported in the literature in individuals with HAX1-related conditions. This variant is not present in population databases (ExAC no frequency). This sequence change creates a premature translational stop signal (p.Arg20Lysfs*12) in the HAX1 gene. It is expected to result in an absent or disrupted protein product. Loss-of-function variants in HAX1 are known to be pathogenic (PMID: 17187068).

Literature cited by the submitters: PubMed 17187068.